The following is an entry in ClinVar:

NM_004985.5(KRAS):c.202A>G (p.Arg68Gly)

Gene: KRAS (KRAS proto-oncogene, GTPase; minus strand). Cytogenetic location: 12p12.1.
Variant type: single nucleotide variant.
Coding change: c.202A>G on transcript NM_004985.5 (MANE Select); coding-DNA position 202, A replaced by G.
Protein change: p.Arg68Gly; replaces arginine 68 with glycine.
Molecular consequence: missense variant.
Genome position (GRCh38, 1-based): chr12:25,227,322, T>C on the plus strand (A>G on the coding strand, the complement: KRAS is on the minus strand). VCF-style: chr12-25227322-T-C. GRCh37 (hg19) VCF-style: chr12-25380256-T-C.
Other names: c.202A>G, p.Arg68Gly (NM_001369786.1, NM_001369787.1, NM_033360.4); short protein forms R68G.
Identifiers: ClinVar variation 2828010 (VCV002828010.3), dbSNP rs2141509883, ClinGen allele CA384152040.
Genomic context (GRCh38, chr12:25,227,322, plus strand): 5'-TAGTATTATTTATGGCAAATACACAAAGAAAGCCCTCCCCAGTCCTCATGTACTGGTCCC[T>C]CATTGCACTGTACTCCTCTTGACCTGCTGTGTCGAGAATATCCAAGAGACAGGTTTCTCC-3'
Protein context (NP_004976.2, residues 58-78): TAGQEEYSAM[Arg68Gly]DQYMRTGEGF

ClinVar aggregate classification (germline): Likely pathogenic (1 of 4 stars; one submission).

Conditions:
RASopathy. Also called: rasopathies; Noonan spectrum disorder. Identifiers: Orphanet 536391, MedGen C5555857, MONDO:0021060.

Submission:

Labcorp Genetics (formerly Invitae), Labcorp
Classification: Likely pathogenic for RASopathy. Last evaluated: 2023-01-13. Review status: criteria provided, single submitter. Criteria: Invitae Variant Classification Sherloc (09022015). Collection method: clinical testing. Allele origin: germline.
Comment: This variant has not been reported in the literature in individuals affected with KRAS-related conditions. This variant is not present in population databases (gnomAD no frequency). This sequence change replaces arginine, which is basic and polar, with glycine, which is neutral and non-polar, at codon 68 of the KRAS protein (p.Arg68Gly). Advanced modeling of protein sequence and biophysical properties (such as structural, functional, and spatial information, amino acid conservation, physicochemical variation, residue mobility, and thermodynamic stability) performed at Invitae indicates that this missense variant is expected to disrupt KRAS protein function. In summary, the currently available evidence indicates that the variant is pathogenic, but additional data are needed to prove that conclusively. Therefore, this variant has been classified as Likely Pathogenic. This variant disrupts the p.Arg68 amino acid residue in KRAS. Other variant(s) that disrupt this residue have been determined to be pathogenic (PMID: 31974414). This suggests that this residue is clinically significant, and that variants that disrupt this residue are likely to be disease-causing.

Literature cited by the submitters: PubMed 31974414.